The following is an entry in ClinVar:

NM_007078.3(LDB3):c.1471G>A (p.Val491Met)

Gene: LDB3 (LIM domain binding 3; plus strand). Cytogenetic location: 10q23.2.
Variant type: single nucleotide variant.
Coding change: c.1471G>A on transcript NM_007078.3 (MANE Select); coding-DNA position 1471, G replaced by A.
Protein change: p.Val491Met; replaces valine 491 with methionine.
Molecular consequence: missense variant.
Genome position (GRCh38, 1-based): chr10:86,716,566, G>A. VCF-style: chr10-86716566-G-A. GRCh37 (hg19) VCF-style: chr10-88476323-G-A.
Other names: c.1141G>A, p.Val381Met (NM_001080114.2); c.1486G>A, p.Val496Met (NM_001171610.2); c.1282G>A, p.Val428Met (NM_001368064.1, NM_001368065.1); c.1330G>A, p.Val444Met (NM_001368066.1); short protein forms V381M, V428M, V444M, V491M, V496M.
Identifiers: ClinVar variation 1058848 (VCV001058848.7), dbSNP rs397517215, ClinGen allele CA5585167.

ClinVar aggregate classification (germline): Uncertain significance (1 of 4 stars; one submission).

Conditions:
Myofibrillar myopathy 4. Also called: Zaspopathy (type). Identifiers: Orphanet 98912, MedGen C4721886, MONDO:0012277, OMIM 609452.

Allele frequency attached by ClinVar (database versions not stated): gnomAD exomes below 0.00001; TOPMed below 0.00001; ExAC 0.00001; gnomAD 0.00001.
gnomAD v4.1: 2 of 1,613,588 alleles (0.00012%); highest among the groups gnomAD compares: African/African-American, 0.0027%; no homozygotes.

Submission:

Labcorp Genetics (formerly Invitae), Labcorp
Classification: Uncertain significance for Myofibrillar myopathy 4. Last evaluated: 2024-06-17. Review status: criteria provided, single submitter. Criteria: Invitae Variant Classification Sherloc (09022015). Collection method: clinical testing. Allele origin: germline.
Comment: The LDB3 gene has multiple clinically relevant transcripts. This variant occurs in alternate transcript NM_007078.3, and corresponds to NM_001080116.1:c.*17192G>A in the primary transcript. This sequence change replaces valine, which is neutral and non-polar, with methionine, which is neutral and non-polar, at codon 491 of the LDB3 protein (p.Val491Met). This variant is present in population databases (rs397517215, gnomAD 0.007%). This variant has not been reported in the literature in individuals affected with LDB3-related conditions. Experimental studies and prediction algorithms are not available or were not evaluated, and the functional significance of this variant is currently unknown. In summary, the available evidence is currently insufficient to determine the role of this variant in disease. Therefore, it has been classified as a Variant of Uncertain Significance.